The following is an entry in ClinVar:

NM_004259.7(RECQL5):c.2518C>T (p.Pro840Ser)

Gene: RECQL5 (RecQ like helicase 5; minus strand). Cytogenetic location: 17q25.1.
Variant type: single nucleotide variant.
Coding change: c.2518C>T on transcript NM_004259.7 (MANE Select); coding-DNA position 2518, C replaced by T.
Protein change: p.Pro840Ser; replaces proline 840 with serine.
Molecular consequence: missense variant.
Genome position (GRCh38, 1-based): chr17:75,628,734, G>A on the plus strand (C>T on the coding strand, the complement: RECQL5 is on the minus strand). VCF-style: chr17-75628734-G-A. GRCh37 (hg19) VCF-style: chr17-73624814-G-A.
Other names: short protein forms P840S.
Identifiers: ClinVar variation 4990820 (VCV004990820.1).

ClinVar aggregate classification (germline): Uncertain significance (1 of 4 stars; one submission).

Conditions:
RECQL5-related disorder. Also called: RECQL5-related condition.

Submission:

PreventionGenetics, part of Exact Sciences
Classification: Uncertain significance for RECQL5-related condition. Last evaluated: 2024-10-11. Review status: criteria provided, single submitter. Criteria: ACMG Guidelines, 2015. Collection method: clinical testing. Allele origin: germline.
Comment: The RECQL5 c.2518C>T variant is predicted to result in the amino acid substitution p.Pro840Ser. To our knowledge, this variant has not been reported in the literature or in a large population database (gnomAD), indicating this variant is rare. At this time, the clinical significance of this variant is uncertain due to the absence of conclusive functional and genetic evidence.